The following is an entry in ClinVar:

NM_001184880.2(PCDH19):c.1785C>A (p.Tyr595Ter)

Gene: PCDH19 (protocadherin 19; minus strand). Cytogenetic location: Xq22.1.
Variant type: single nucleotide variant.
Coding change: c.1785C>A on transcript NM_001184880.2 (MANE Select); coding-DNA position 1785, C replaced by A.
Protein change: p.Tyr595Ter; replaces tyrosine 595 with a stop codon.
Molecular consequence: nonsense.
Genome position (GRCh38, 1-based): chrX:100,406,813, G>T on the plus strand (C>A on the coding strand, the complement: PCDH19 is on the minus strand). VCF-style: chrX-100406813-G-T. GRCh37 (hg19) VCF-style: chrX-99661811-G-T.
Other names: c.1785C>A, p.Tyr595Ter (NM_001105243.2, NM_020766.3); short protein forms Y595*.
Identifiers: ClinVar variation 3729167 (VCV003729167.2).

ClinVar aggregate classification (germline): Pathogenic (1 of 4 stars; one submission).

Conditions:
Developmental and epileptic encephalopathy, 9 (DEE9). Also called: JUBERG-HELLMAN SYNDROME; Early infantile epileptic encephalopathy 9; PCDH19-Related X-Linked Female-Limited Epilepsy with Mental Retardation; EPILEPSY, FEMALE-RESTRICTED, WITH MENTAL RETARDATION. Identifiers: Orphanet 101039, Orphanet 2076, MedGen C1848137, MONDO:0010246, OMIM 300088. Disease mechanism: loss of function.

Submission:

Labcorp Genetics (formerly Invitae), Labcorp
Classification: Pathogenic for Developmental and epileptic encephalopathy, 9. Last evaluated: 2025-01-19. Review status: criteria provided, single submitter. Criteria: Invitae Variant Classification Sherloc (09022015). Collection method: clinical testing. Allele origin: germline.
Comment: This sequence change creates a premature translational stop signal (p.Tyr595*) in the PCDH19 gene. It is expected to result in an absent or disrupted protein product. Loss-of-function variants in PCDH19 are known to be pathogenic (PMID: 21053371). This variant is not present in population databases (gnomAD no frequency). This variant has not been reported in the literature in individuals affected with PCDH19-related conditions. For these reasons, this variant has been classified as Pathogenic.

Literature cited by the submitters: PubMed 21053371.